The following is an entry in ClinVar:

NM_001080477.4(TENM3):c.7213+272G>C

Gene: TENM3 (teneurin transmembrane protein 3; plus strand). Cytogenetic location: 4q35.1.
Variant type: single nucleotide variant.
Coding change: c.7213+272G>C on transcript NM_001080477.4 (MANE Select); 272 bases into the intron after coding-DNA position 7213, G replaced by C.
Molecular consequence: intron variant.
Genome position (GRCh38, 1-based): chr4:182,794,157, G>C. VCF-style: chr4-182794157-G-C. GRCh37 (hg19) VCF-style: chr4-183715310-G-C.
Identifiers: ClinVar variation 667659 (VCV000667659.1), dbSNP rs6817534, ClinGen allele CA15305429.
Genomic context (GRCh38, chr4:182,794,157, plus strand): 5'-GCCCAAGGCCACAAGTTTTTGAAATGACATGTACTCAGTCATTTAAAGAAGGGGAACATG[G>C]GGGACCAAAAAACATGATGAACACAGAGTCCCAAAATTGGAGTCCCAATCCCAGCTCCTC-3'

ClinVar aggregate classification (germline): Benign (1 of 4 stars; one submission).

Allele frequency attached by ClinVar (database versions not stated): 1000 Genomes Project 0.51697; 1000 Genomes Project 30x 0.52936; TOPMed 0.56131.
gnomAD v4.1: 82,353 of 151,938 alleles (54%); highest among the groups gnomAD compares: African/African-American, 68%; 22,998 homozygotes.

Submission:

GeneDx
Classification: Benign. Last evaluated: 2018-06-19. Review status: criteria provided, single submitter. Criteria: GeneDx Variant Classification (06012015). Collection method: clinical testing. Allele origin: germline. Affected: yes.
Comment: This variant is considered likely benign or benign based on one or more of the following criteria: it is a conservative change, it occurs at a poorly conserved position in the protein, it is predicted to be benign by multiple in silico algorithms, and/or has population frequency not consistent with disease.